The following is an entry in ClinVar:

ClinVar aggregate classification (germline): Benign. Review status: criteria provided, multiple submitters, no conflicts (2 of 4 stars). 4 submissions from 4 submitters: Benign (3). 1 of the submissions does not count toward it. Last evaluated 2021-08-16.

Conditions:
GPX1 POLYMORPHISM.
Gluthathione peroxidase deficiency. Identifiers: MedGen C0398747, MONDO:0013601, OMIM 614164.

Allele frequency attached by ClinVar (database versions not stated): 1000 Genomes Project 0.21745; 1000 Genomes Project 30x 0.22002; TOPMed 0.27740; gnomAD exomes 0.27975 and 0.29967; ExAC 0.28055; gnomAD 0.29769 and 0.30347.
gnomAD v4.1: 481,585 of 1,607,594 alleles (30%); highest among the groups gnomAD compares: Middle Eastern, 32%; 76,163 homozygotes.

Submissions (4):

Fulgent Genetics
Classification: Benign for Gluthathione peroxidase deficiency. Last evaluated: 2021-08-16. Review status: criteria provided, single submitter. Criteria: ACMG Guidelines, 2015. Collection method: clinical testing. Allele origin: unknown.

GeneDx
Classification: Benign. Last evaluated: 2018-11-12. Review status: criteria provided, single submitter. Criteria: GeneDx Variant Classification Process June 2021. Collection method: clinical testing. Allele origin: germline. Affected: yes.
Comment: This variant is associated with the following publications: (PMID: 27592002, 30256368, 22139612, 21636625, 18563616, 29411539, 11103801, 19826042, 22888637, 20178852, 21165435, 16287877, 20441054, 16956821, 21993316, 19415410, 23073788, 15331559, 16945136, 25047527)

Breakthrough Genomics
Classification: Benign. Review status: criteria provided, single submitter. Criteria: ACMG Guidelines, 2015. Collection method: not provided. Allele origin: germline. Inheritance: Autosomal recessive inheritance. Affected: yes.

OMIM
Classification: Benign for GPX1 POLYMORPHISM. Last evaluated: 1999-01-01. Review status: no assertion criteria provided. Collection method: literature only. Allele origin: germline. Not counted in ClinVar's aggregate classification.

Literature cited by the submitters: PubMed 10220143 (cited by OMIM).

NM_000581.4(GPX1):c.599C>T (p.Pro200Leu)

Gene: GPX1 (glutathione peroxidase 1; minus strand). Cytogenetic location: 3p21.31.
Variant type: single nucleotide variant.
Coding change: c.599C>T on transcript NM_000581.4 (MANE Select); coding-DNA position 599, C replaced by T.
Protein change: p.Pro200Leu; replaces proline 200 with leucine.
Molecular consequence: missense variant. On other transcripts: 3 prime UTR variant (3).
Genome position (GRCh38, 1-based): chr3:49,357,401, G>A on the plus strand (C>T on the coding strand, the complement: GPX1 is on the minus strand). VCF-style: chr3-49357401-G-A. GRCh37 (hg19) VCF-style: chr3-49394834-G-A.
Other names: P197L; c.461C>T, p.Pro154Leu (NM_001329455.2); c.*425C>T (NM_001329502.2); c.*105C>T (NM_001329503.2); c.*581C>T (NM_201397.3); short protein forms P200L, P154L.
Identifiers: ClinVar variation 16082 (VCV000016082.6), dbSNP rs1050450, ClinGen allele CA126189.